The following is an entry in ClinVar:

ClinVar aggregate classification (germline): Likely pathogenic. Review status: criteria provided, multiple submitters, no conflicts (2 of 4 stars). 2 submissions from 2 submitters: Likely pathogenic (2). Last evaluated 2024-05-03.

Conditions:
Methylmalonic aciduria due to complete methylmalonyl-CoA mutase deficiency.
Methylmalonic acidemia (MMA). Also called: Isolated Methylmalonic Acidemia. Identifiers: MedGen C0268583, MeSH C537358, MONDO:0002012, HP:0002912.

Submissions (2):

Natera, Inc.
Classification: Likely pathogenic for Methylmalonic aciduria due to complete methylmalonyl-CoA mutase deficiency. Last evaluated: 2024-05-03. Review status: criteria provided, single submitter. Criteria: Natera Variant Classification Schema (03/2026). Collection method: clinical testing. Allele origin: germline.
Comment: The c.1078G>T variant in MMUT is a nonsense variant predicted to introduce a stop codon at amino acid 360. This variant is expected to result in nonsense mediated decay, truncation, or a dysfunctional protein product. This variant is rare in the general population with a frequency below the threshold expected for the associated phenotype(s). Given the available evidence, this variant is classified as Likely Pathogenic.

Women's Health and Genetics/Laboratory Corporation of America, LabCorp
Classification: Likely pathogenic for Methylmalonic acidemia. Last evaluated: 2022-10-19. Review status: criteria provided, single submitter. Criteria: LabCorp Variant Classification Summary - May 2015. Collection method: clinical testing. Allele origin: germline.
Comment: Variant summary: MUT (MMUT) c.1078G>T (p.Glu360X) results in a premature termination codon, predicted to cause a truncation of the encoded protein or absence of the protein due to nonsense mediated decay, which are commonly known mechanisms for disease. Many truncations downstream of this position have been classified as pathogenic by our laboratory. The variant was absent in 250930 control chromosomes (gnomAD). To our knowledge, no occurrence of c.1078G>T in individuals affected with Methylmalonic Acidemia and no experimental evidence demonstrating its impact on protein function have been reported. No clinical diagnostic laboratories have submitted clinical-significance assessments for this variant to ClinVar after 2014. Based on the evidence outlined above, the variant was classified as likely pathogenic.

NM_000255.4(MMUT):c.1078G>T (p.Glu360Ter)

Gene: MMUT (methylmalonyl-CoA mutase; minus strand). Cytogenetic location: 6p12.3.
Variant type: single nucleotide variant.
Coding change: c.1078G>T on transcript NM_000255.4 (MANE Select); coding-DNA position 1078, G replaced by T.
Protein change: p.Glu360Ter; replaces glutamic acid 360 with a stop codon.
Molecular consequence: nonsense.
Genome position (GRCh38, 1-based): chr6:49,453,590, C>A on the plus strand (G>T on the coding strand, the complement: MMUT is on the minus strand). VCF-style: chr6-49453590-C-A. GRCh37 (hg19) VCF-style: chr6-49421303-C-A.
Other names: short protein forms E360*.
Identifiers: ClinVar variation 1723338 (VCV001723338.2), dbSNP rs866728229, ClinGen allele CA364400104.